The following is an entry in ClinVar:

NM_001201543.2(FAM161A):c.422+2T>C

Gene: FAM161A (FAM161 centrosomal protein A; minus strand). Cytogenetic location: 2p15.
Variant type: single nucleotide variant.
Coding change: c.422+2T>C on transcript NM_001201543.2 (MANE Select); the canonical splice donor site of the intron after coding-DNA position 422, T replaced by C.
Molecular consequence: splice donor variant.
Genome position (GRCh38, 1-based): chr2:61,842,120, A>G on the plus strand (T>C on the coding strand, the complement: FAM161A is on the minus strand). VCF-style: chr2-61842120-A-G. GRCh37 (hg19) VCF-style: chr2-62069255-A-G.
Other names: c.422+2T>C (NM_032180.3).
Identifiers: ClinVar variation 2723956 (VCV002723956.3), dbSNP rs2466033310, ClinGen allele CA346989202.

ClinVar aggregate classification (germline): Likely pathogenic (1 of 4 stars; one submission).

Submission:

Labcorp Genetics (formerly Invitae), Labcorp
Classification: Likely pathogenic. Last evaluated: 2023-06-28. Review status: criteria provided, single submitter. Criteria: Invitae Variant Classification Sherloc (09022015). Collection method: clinical testing. Allele origin: germline.
Comment: In summary, the currently available evidence indicates that the variant is pathogenic, but additional data are needed to prove that conclusively. Therefore, this variant has been classified as Likely Pathogenic. This sequence change affects a donor splice site in intron 2 of the FAM161A gene. It is expected to disrupt RNA splicing. Variants that disrupt the donor or acceptor splice site typically lead to a loss of protein function (PMID: 16199547), and loss-of-function variants in FAM161A are known to be pathogenic (PMID: 20705278, 20705279, 24651477). This variant is not present in population databases (gnomAD no frequency). This variant has not been reported in the literature in individuals affected with FAM161A-related conditions.

Literature cited by the submitters: PubMed 16199547; PubMed 20705278; PubMed 20705279; PubMed 24651477.